The following is an entry in ClinVar:

ClinVar aggregate classification (germline): Uncertain significance (1 of 4 stars; one submission).

Conditions:
Dilated cardiomyopathy 1JJ (CMD1JJ). Identifiers: Orphanet 154, MedGen C3808935, MONDO:0014095, OMIM 615235.

gnomAD v4.1: 3 of 1,612,534 alleles (0.00019%); highest among the groups gnomAD compares: Non-Finnish European, 0.00025%; no homozygotes.

Submission:

Labcorp Genetics (formerly Invitae), Labcorp
Classification: Uncertain significance for Dilated cardiomyopathy 1JJ. Last evaluated: 2024-11-16. Review status: criteria provided, single submitter. Criteria: Invitae Variant Classification Sherloc (09022015). Collection method: clinical testing. Allele origin: germline.
Comment: This sequence change replaces asparagine, which is neutral and polar, with lysine, which is basic and polar, at codon 574 of the LAMA4 protein (p.Asn574Lys). This variant is not present in population databases (gnomAD no frequency). This variant has not been reported in the literature in individuals affected with LAMA4-related conditions. Invitae Evidence Modeling of protein sequence and biophysical properties (such as structural, functional, and spatial information, amino acid conservation, physicochemical variation, residue mobility, and thermodynamic stability) indicates that this missense variant is not expected to disrupt LAMA4 protein function with a negative predictive value of 80%. In summary, the available evidence is currently insufficient to determine the role of this variant in disease. Therefore, it has been classified as a Variant of Uncertain Significance.

NM_001105206.3(LAMA4):c.1743C>A (p.Asn581Lys)

Gene: LAMA4 (laminin subunit alpha 4; minus strand). Cytogenetic location: 6q21.
Variant type: single nucleotide variant.
Coding change: c.1743C>A on transcript NM_001105206.3 (MANE Select); coding-DNA position 1743, C replaced by A.
Protein change: p.Asn581Lys; replaces asparagine 581 with lysine.
Molecular consequence: missense variant.
Genome position (GRCh38, 1-based): chr6:112,158,806, G>T on the plus strand (C>A on the coding strand, the complement: LAMA4 is on the minus strand). VCF-style: chr6-112158806-G-T. GRCh37 (hg19) VCF-style: chr6-112480008-G-T.
Other names: c.1722C>A, p.Asn574Lys (NM_001105207.3, NM_002290.5); short protein forms N581K, N574K.
Identifiers: ClinVar variation 3706244 (VCV003706244.2).